The following is an entry in ClinVar:

ClinVar aggregate classification (germline): Uncertain significance (1 of 4 stars; one submission).

Submission:

GeneDx
Classification: Uncertain significance. Last evaluated: 2022-04-20. Review status: criteria provided, single submitter. Criteria: GeneDx Variant Classification Process June 2021. Collection method: clinical testing. Allele origin: germline. Affected: yes.
Comment: Not observed at significant frequency in large population cohorts (gnomAD); In silico analysis supports that this missense variant has a deleterious effect on protein structure/function; Has not been previously published as pathogenic or benign to our knowledge

NM_000292.3(PHKA2):c.2836C>T (p.Leu946Phe)

Gene: PHKA2 (phosphorylase kinase regulatory subunit alpha 2; minus strand). Cytogenetic location: Xp22.13.
Variant type: single nucleotide variant.
Coding change: c.2836C>T on transcript NM_000292.3 (MANE Select); coding-DNA position 2836, C replaced by T.
Protein change: p.Leu946Phe; replaces leucine 946 with phenylalanine.
Molecular consequence: missense variant.
Genome position (GRCh38, 1-based): chrX:18,905,830, G>A on the plus strand (C>T on the coding strand, the complement: PHKA2 is on the minus strand). VCF-style: chrX-18905830-G-A. GRCh37 (hg19) VCF-style: chrX-18923948-G-A.
Other names: short protein forms L946F.
Identifiers: ClinVar variation 1712165 (VCV001712165.2), dbSNP rs2518596783, ClinGen allele CA412381989.